The following is an entry in ClinVar:

NM_001322934.2(NFKB2):c.1424C>T (p.Ala475Val)

Gene: NFKB2 (nuclear factor kappa B subunit 2; plus strand). Cytogenetic location: 10q24.32.
Variant type: single nucleotide variant.
Coding change: c.1424C>T on transcript NM_001322934.2 (MANE Select); coding-DNA position 1424, C replaced by T.
Protein change: p.Ala475Val; replaces alanine 475 with valine.
Molecular consequence: missense variant.
Genome position (GRCh38, 1-based): chr10:102,399,673, C>T. VCF-style: chr10-102399673-C-T. GRCh37 (hg19) VCF-style: chr10-104159430-C-T.
Other names: c.1424C>T (NM_001077494.1); c.1424C>T, p.Ala475Val (NM_001077494.3, NM_001261403.3, NM_001288724.1 and 1 more transcripts); c.1298C>T, p.Ala433Val (NM_001322935.1); short protein forms A433V, A475V.
Identifiers: ClinVar variation 1502171 (VCV001502171.6), dbSNP rs1482556968, ClinGen allele CA377899585.

ClinVar aggregate classification (germline): Uncertain significance. Review status: criteria provided, multiple submitters, no conflicts (2 of 4 stars). 2 submissions from 2 submitters: Uncertain significance (2). Last evaluated 2024-07-23.

Conditions:
Inborn genetic diseases. Identifiers: MedGen C0950123, MeSH D030342.
Immunodeficiency, common variable, 10. Also called: IMMUNODEFICIENCY, COMMON VARIABLE, WITH CENTRAL ADRENAL INSUFFICIENCY; DEFICIT IN ANTERIOR PITUITARY FUNCTION AND VARIABLE IMMUNODEFICIENCY. Identifiers: MedGen C3809991, MONDO:0014260, OMIM 615577.

Allele frequency attached by ClinVar (database versions not stated): gnomAD 0.00001; TOPMed 0.00001.
gnomAD v4.1: 109 of 1,523,572 alleles (0.0072%); highest among the groups gnomAD compares: Non-Finnish European, 0.0094%; no homozygotes.

Submissions (2):

Labcorp Genetics (formerly Invitae), Labcorp
Classification: Uncertain significance for Immunodeficiency, common variable, 10. Last evaluated: 2024-07-23. Review status: criteria provided, single submitter. Criteria: Invitae Variant Classification Sherloc (09022015). Collection method: clinical testing. Allele origin: germline.
Comment: This sequence change replaces alanine, which is neutral and non-polar, with valine, which is neutral and non-polar, at codon 475 of the NFKB2 protein (p.Ala475Val). The frequency data for this variant in the population databases is considered unreliable, as metrics indicate poor data quality at this position in the gnomAD database. This variant has not been reported in the literature in individuals affected with NFKB2-related conditions. ClinVar contains an entry for this variant (Variation ID: 1502171). An algorithm developed to predict the effect of missense changes on protein structure and function (PolyPhen-2) suggests that this variant is likely to be tolerated. In summary, the available evidence is currently insufficient to determine the role of this variant in disease. Therefore, it has been classified as a Variant of Uncertain Significance.

Ambry Genetics
Classification: Uncertain significance for Inborn genetic diseases. Last evaluated: 2023-12-19. Review status: criteria provided, single submitter. Criteria: Ambry Variant Classification Scheme 2023. Collection method: clinical testing. Allele origin: germline.